The following is an entry in ClinVar:

NM_005529.7(HSPG2):c.9598G>A (p.Val3200Met)

Gene: HSPG2 (heparan sulfate proteoglycan 2; minus strand). Cytogenetic location: 1p36.12.
Variant type: single nucleotide variant.
Coding change: c.9598G>A on transcript NM_005529.7 (MANE Select); coding-DNA position 9598, G replaced by A.
Protein change: p.Val3200Met; replaces valine 3200 with methionine.
Molecular consequence: missense variant.
Genome position (GRCh38, 1-based): chr1:21,839,933, C>T on the plus strand (G>A on the coding strand, the complement: HSPG2 is on the minus strand). VCF-style: chr1-21839933-C-T. GRCh37 (hg19) VCF-style: chr1-22166426-C-T.
Other names: c.9601G>A, p.Val3201Met (NM_001291860.2); short protein forms V3200M, V3201M.
Identifiers: ClinVar variation 1512398 (VCV001512398.6), dbSNP rs2098041977, ClinGen allele CA338913769.
Genomic context (GRCh38, chr1:21,839,933, plus strand): 5'-CAGCTTCTTCAGCTTGGACCTGAGGGGCCCCTGGGGCCATGGCGCCCGTGTCCACGATCA[C>T]CTCCACCTGCTTCTGTGCTGTGCCTAGTGCATTCTGAGCAAGGCACACATAAGTGCCCGC-3'
Protein context (NP_005520.4, residues 3190-3210): ALGTAQKQVE[Val3200Met]IVDTGAMAPG

ClinVar aggregate classification (germline): Uncertain significance (1 of 4 stars; one submission).

Allele frequency attached by ClinVar (database versions not stated): gnomAD exomes below 0.00001.

Submission:

Labcorp Genetics (formerly Invitae), Labcorp
Classification: Uncertain significance. Last evaluated: 2021-08-12. Review status: criteria provided, single submitter. Criteria: Invitae Variant Classification Sherloc (09022015). Collection method: clinical testing. Allele origin: germline.
Comment: This sequence change replaces valine with methionine at codon 3200 of the HSPG2 protein (p.Val3200Met). The valine residue is moderately conserved and there is a small physicochemical difference between valine and methionine. This variant is not present in population databases (ExAC no frequency). This variant has not been reported in the literature in individuals affected with HSPG2-related conditions. Algorithms developed to predict the effect of missense changes on protein structure and function are either unavailable or do not agree on the potential impact of this missense change (SIFT: "Deleterious"; PolyPhen-2: "Probably Damaging"; Align-GVGD: "Class C0"). In summary, the available evidence is currently insufficient to determine the role of this variant in disease. Therefore, it has been classified as a Variant of Uncertain Significance.